The following is an entry in ClinVar:

ClinVar aggregate classification (germline): Likely benign (1 of 4 stars; one submission).

gnomAD v4.1: 79 of 1,609,448 alleles (0.0049%); highest among the groups gnomAD compares: Non-Finnish European, 0.0062%; no homozygotes.

Submission:

Mayo Clinic Laboratories, Mayo Clinic
Classification: Likely benign. Last evaluated: 2025-06-24. Review status: criteria provided, single submitter. Criteria: ACMG Guidelines, 2015. Collection method: clinical testing. Allele origin: germline. Observed: 1 variant allele.
Comment: BP4, BP7

NM_022893.4(BCL11A):c.1374C>T (p.Ser458=)

Gene: BCL11A (BCL11 transcription factor A; minus strand). Cytogenetic location: 2p16.1.
Variant type: single nucleotide variant.
Coding change: c.1374C>T on transcript NM_022893.4 (MANE Select); coding-DNA position 1374, C replaced by T.
Protein change: p.Ser458=; no amino-acid change (serine 458 retained).
Molecular consequence: synonymous variant. On other transcripts: intron variant (6).
Genome position (GRCh38, 1-based): chr2:60,461,538, G>A on the plus strand (C>T on the coding strand, the complement: BCL11A is on the minus strand). VCF-style: chr2-60461538-G-A. GRCh37 (hg19) VCF-style: chr2-60688673-G-A.
Other names: p.Ser458=; c.681C>T, p.Ser227= (NM_001405729.1); c.837C>T, p.Ser279= (NM_001405730.1); c.381C>T, p.Ser127= (NM_001405731.1); c.1374C>T, p.Ser458= (NM_018014.4, NM_001405708.1, NM_001405709.1 and 1 more transcripts); c.630+744C>T (NM_138559.2, NM_001405732.1); c.528+744C>T (NM_001405733.1); c.474+744C>T (NM_001405735.1, NM_001405734.1); and 6 more.
Identifiers: ClinVar variation 4684570 (VCV004684570.1).
Genomic context (GRCh38, chr2:60,461,538, plus strand): 5'-CAGGTTGGGGTCGTTCTCGCTCTTGAACTTGGCCACCACGGACTTGAGCGCGCTGCTGGC[G>A]CTGCCCACCAAGTCGCTGGTGCCGGGTTCCGGGGAGCTGGCGGTGGAGAGACCGTCGTCG-3'
Protein context (NP_075044.2, residues 448-468): PEPGTSDLVG[Ser458=]ASSALKSVVA